The following is an entry in ClinVar:

NM_006206.6(PDGFRA):c.1570G>T (p.Glu524Ter)

Gene: PDGFRA (platelet derived growth factor receptor alpha; plus strand). Cytogenetic location: 4q12.
Variant type: single nucleotide variant.
Coding change: c.1570G>T on transcript NM_006206.6 (MANE Select); coding-DNA position 1570, G replaced by T.
Protein change: p.Glu524Ter; replaces glutamic acid 524 with a stop codon.
Molecular consequence: nonsense.
Genome position (GRCh38, 1-based): chr4:54,274,542, G>T. VCF-style: chr4-54274542-G-T. GRCh37 (hg19) VCF-style: chr4-55140709-G-T.
Other names: c.1570G>T, p.Glu524Ter (NM_001347827.2, NM_001347829.2); c.1645G>T, p.Glu549Ter (NM_001347828.2); c.1609G>T, p.Glu537Ter (NM_001347830.2); short protein forms E549*, E537*, E524*.
Identifiers: ClinVar variation 2697508 (VCV002697508.3), dbSNP rs2110296151, ClinGen allele CA356892842.

ClinVar aggregate classification (germline): Uncertain significance (1 of 4 stars; one submission).

Conditions:
Gastrointestinal stromal tumor. Also called: Gastrointestinal stromal tumor, somatic; Gastrointestinal stroma tumor. Identifiers: Orphanet 44890, MedGen C0238198, MeSH D046152, MONDO:0011719, OMIM 606764, HP:0100723.

Submission:

Labcorp Genetics (formerly Invitae), Labcorp
Classification: Uncertain significance for Gastrointestinal stromal tumor. Last evaluated: 2023-12-11. Review status: criteria provided, single submitter. Criteria: Invitae Variant Classification Sherloc (09022015). Collection method: clinical testing. Allele origin: germline.
Comment: This sequence change creates a premature translational stop signal (p.Glu524*) in the PDGFRA gene. It is expected to result in an absent or disrupted protein product. However, the current clinical and genetic evidence is not sufficient to establish whether loss-of-function variants in PDGFRA cause disease. This variant is not present in population databases (gnomAD no frequency). This variant has not been reported in the literature in individuals affected with PDGFRA-related conditions. Algorithms developed to predict the effect of sequence changes on RNA splicing suggest that this variant may disrupt the consensus splice site. In summary, the available evidence is currently insufficient to determine the role of this variant in disease. Therefore, it has been classified as a Variant of Uncertain Significance.